The following is an entry in ClinVar:

NM_000744.7(CHRNA4):c.816C>T (p.Gly272=)

Gene: CHRNA4 (cholinergic receptor nicotinic alpha 4 subunit; minus strand). Cytogenetic location: 20q13.33.
Variant type: single nucleotide variant.
Coding change: c.816C>T on transcript NM_000744.7 (MANE Select); coding-DNA position 816, C replaced by T.
Protein change: p.Gly272=; no amino-acid change (glycine 272 retained).
Molecular consequence: synonymous variant. On other transcripts: non-coding transcript variant (1).
Genome position (GRCh38, 1-based): chr20:63,350,595, G>A on the plus strand (C>T on the coding strand, the complement: CHRNA4 is on the minus strand). VCF-style: chr20-63350595-G-A. GRCh37 (hg19) VCF-style: chr20-61981947-G-A.
Other names: c.288C>T, p.Gly96= (NM_001256573.2).
Identifiers: ClinVar variation 423937 (VCV000423937.5), dbSNP rs981113016, ClinGen allele CA16620955.

ClinVar aggregate classification (germline): Conflicting classifications of pathogenicity. Review status: criteria provided, conflicting classifications (1 of 4 stars). 2 submissions from 2 submitters: Uncertain significance (1); Likely benign (1). Last evaluated 2023-10-16.

Conditions:
Familial sleep-related hypermotor epilepsy. Also called: Autosomal Dominant Sleep-Related Hypermotor (Hyperkinetic) Epilepsy. Identifiers: Orphanet 98784, MedGen C3696898, MONDO:0000030.

Allele frequency attached by ClinVar (database versions not stated): gnomAD exomes 0.00001; TOPMed 0.00001.
gnomAD v4.1: 10 of 1,614,022 alleles (0.00062%); highest among the groups gnomAD compares: South Asian, 0.0022%; no homozygotes.

Submissions (2):

Labcorp Genetics (formerly Invitae), Labcorp
Classification: Likely benign. Last evaluated: 2023-10-16. Review status: criteria provided, single submitter. Criteria: Invitae Variant Classification Sherloc (09022015). Collection method: clinical testing. Allele origin: germline.

GeneDx
Classification: Uncertain significance. Last evaluated: 2017-03-07. Review status: criteria provided, single submitter. Criteria: GeneDx Variant Classification (06012015). Collection method: clinical testing. Allele origin: germline. Affected: yes.
Comment: A variant of uncertain significance has been identified in the CHRNA4 gene. The c.816 C>T variant has not been published as a pathogenic variant, nor has it been reported as a benign variant to our knowledge. The c.816 C>T variant is not observed in large population cohorts (Lek et al., 2016; 1000 Genomes Consortium et al., 2015; Exome Variant Server). Several in-silico splice prediction models predict that c.816 C>T creates a cryptic donor site which may supplant the natural donor site and lead to abnormal gene splicing. However, in the absence of RNA/functional studies, the actual effect of this sequence change in this individual is unknown. Additionally, this substitution occurs at a position that is not conserved. Therefore, based on the currently available information, it is unclear whether this variant is a pathogenic variant or a rare benign variant.